The following is an entry in ClinVar:

NM_014290.3(TDRD7):c.1572C>T (p.Ala524=)

Genes: TDRD7 (tudor domain containing 7; plus strand), LOC126860694 (BRD4-independent group 4 enhancer GRCh37_chr9:100226535-100227734; plus strand). Cytogenetic location: 9q22.33.
Variant type: single nucleotide variant.
Coding change: c.1572C>T on transcript NM_014290.3 (MANE Select); coding-DNA position 1572, C replaced by T.
Protein change: p.Ala524=; no amino-acid change (alanine 524 retained).
Molecular consequence: synonymous variant.
Genome position (GRCh38, 1-based): chr9:97,464,971, C>T. VCF-style: chr9-97464971-C-T. GRCh37 (hg19) VCF-style: chr9-100227253-C-T.
Other names: c.1572C>T (NM_014290.2); c.1350C>T, p.Ala450= (NM_001302884.2).
Identifiers: ClinVar variation 1944764 (VCV001944764.7), dbSNP rs761262187, ClinGen allele CA5146687.

ClinVar aggregate classification (germline): Likely benign. Review status: criteria provided, single submitter (1 of 4 stars). 2 submissions from 2 submitters: Likely benign (1). 1 of the submissions does not count toward it. Last evaluated 2022-07-05.

Conditions:
Cataract 36. Identifiers: MedGen C3151304, MONDO:0013484, OMIM 613887.
TDRD7-related disorder. Also called: TDRD7-related condition.

Allele frequency attached by ClinVar (database versions not stated): ExAC 0.00001; gnomAD 0.00001; gnomAD exomes 0.00001; TOPMed 0.00001.
gnomAD v4.1: 13 of 1,613,928 alleles (0.00081%); highest among the groups gnomAD compares: Middle Eastern, 0.033%; no homozygotes.

Submissions (2):

Labcorp Genetics (formerly Invitae), Labcorp
Classification: Likely benign for Cataract 36. Last evaluated: 2022-07-05. Review status: criteria provided, single submitter. Criteria: Invitae Variant Classification Sherloc (09022015). Collection method: clinical testing. Allele origin: germline.

PreventionGenetics, part of Exact Sciences
Classification: Likely benign for TDRD7-related condition. Last evaluated: 2020-01-23. Review status: no assertion criteria provided. Collection method: clinical testing. Allele origin: germline. Not counted in ClinVar's aggregate classification.
Comment: This variant is classified as likely benign based on ACMG/AMP sequence variant interpretation guidelines (Richards et al. 2015 PMID: 25741868, with internal and published modifications).